The following is an entry in ClinVar:

ClinVar aggregate classification (germline): Uncertain significance (1 of 4 stars; one submission).

Conditions:
Epidermolysis bullosa simplex 3, localized or generalized intermediate, with BP230 deficiency (EBS3). Also called: Epidermolysis bullosa simplex, autosomal recessive 2; Epidermolysis bullosa simplex due to BP230 deficiency. Identifiers: Orphanet 412181, MedGen C3809470, MONDO:0014180, OMIM 615425.
Hereditary sensory and autonomic neuropathy type 6. Also called: Neuropathy, hereditary sensory and autonomic, type VI; HSAN VI. Identifiers: Orphanet 314381, MedGen C3539003, MONDO:0013839, OMIM 614653.

Allele frequency attached by ClinVar (database versions not stated): gnomAD exomes below 0.00001.
gnomAD v4.1: 3 of 1,612,686 alleles (0.00019%); highest among the groups gnomAD compares: Non-Finnish European, 0.00025%; no homozygotes.

Submission:

Labcorp Genetics (formerly Invitae), Labcorp
Classification: Uncertain significance for Epidermolysis bullosa simplex 3, localized or generalized intermediate, with BP230 deficiency; Hereditary sensory and autonomic neuropathy type 6. Last evaluated: 2023-07-07. Review status: criteria provided, single submitter. Criteria: Invitae Variant Classification Sherloc (09022015). Collection method: clinical testing. Allele origin: germline.
Comment: The DST gene has multiple clinically relevant transcripts. This variant occurs in alternate transcript NM_015548.4, and corresponds to NM_001723.5:c.*85549A>G in the primary transcript. This sequence change falls in intron 46 of the DST gene. It does not directly change the encoded amino acid sequence of the DST protein. It affects a nucleotide within the consensus splice site. This variant is not present in population databases (gnomAD no frequency). This variant has not been reported in the literature in individuals affected with DST-related conditions. Variants that disrupt the consensus splice site are a relatively common cause of aberrant splicing (PMID: 17576681, 9536098). In summary, the available evidence is currently insufficient to determine the role of this variant in disease. Therefore, it has been classified as a Variant of Uncertain Significance.

Literature cited by the submitters: PubMed 17576681; PubMed 9536098.

NM_001374736.1(DST):c.17268+6A>G

Gene: DST (dystonin; minus strand). Cytogenetic location: 6p12.1.
Variant type: single nucleotide variant.
Coding change: c.17268+6A>G on transcript NM_001374736.1 (MANE Select); 6 bases into the intron after coding-DNA position 17268, A replaced by G.
Molecular consequence: intron variant.
Genome position (GRCh38, 1-based): chr6:56,529,968, T>C on the plus strand (A>G on the coding strand, the complement: DST is on the minus strand). VCF-style: chr6-56529968-T-C. GRCh37 (hg19) VCF-style: chr6-56394766-T-C.
Other names: c.10911+6A>G (NM_001144769.5); c.17268+6A>G (NM_001374722.1); c.17295+6A>G (NM_001374734.1); c.10497+6A>G (NM_001144770.2); c.10377+6A>G (NM_001374730.1, NM_183380.4); c.16635+6A>G (NM_001374729.1); c.9399+6A>G (NM_015548.5).
Identifiers: ClinVar variation 968708 (VCV000968708.8), dbSNP rs2096867211, ClinGen allele CA1139659630.
Genomic context (GRCh38, chr6:56,529,968, plus strand): 5'-TCAAATTTATGTCACAAAACCACACAATAAAAACTGAACCTCGCTAATGTGTGATTTATA[T>C]CTTACTTTGTGCTGTGCAATTTGTTCCTCAAGTTTAGATGCTTGGGTTCCTATGGGTTCA-3'